The following is an entry in ClinVar:

ClinVar aggregate classification (germline): Uncertain significance. Review status: criteria provided, multiple submitters, no conflicts (2 of 4 stars). 4 submissions from 4 submitters: Uncertain significance (4). Last evaluated 2026-08-06.

Conditions:
Inborn genetic diseases. Identifiers: MedGen C0950123, MeSH D030342.
Monogenic short statue.

Allele frequency attached by ClinVar (database versions not stated): gnomAD exomes 0.00005; ExAC 0.00006; TOPMed 0.00006; ESP Exome Variant Server 0.00008; gnomAD 0.00010.

Submissions (4):

NHS Central & South Genomic Laboratory Hub
Classification: Uncertain significance for Monogenic short statue. Last evaluated: 2026-08-06. Review status: criteria provided, single submitter. Criteria: ACMG Guidelines, 2015. Collection method: clinical testing. Allele origin: germline. Affected: yes.

Labcorp Genetics (formerly Invitae), Labcorp
Classification: Uncertain significance. Last evaluated: 2025-11-15. Review status: criteria provided, single submitter. Criteria: Invitae Variant Classification Sherloc (09022015). Collection method: clinical testing. Allele origin: germline.
Comment: This sequence change replaces arginine, which is basic and polar, with glutamine, which is neutral and polar, at codon 394 of the ACAN protein (p.Arg394Gln). This variant is present in population databases (rs200709031, gnomAD 0.03%). This variant has not been reported in the literature in individuals affected with ACAN-related conditions. ClinVar contains an entry for this variant (Variation ID: 1443935). Invitae Evidence Modeling of protein sequence and biophysical properties (such as structural, functional, and spatial information, amino acid conservation, physicochemical variation, residue mobility, and thermodynamic stability) indicates that this missense variant is not expected to disrupt ACAN protein function with a negative predictive value of 80%. In summary, the available evidence is currently insufficient to determine the role of this variant in disease. Therefore, it has been classified as a Variant of Uncertain Significance.

Ambry Genetics
Classification: Uncertain significance for Inborn genetic diseases. Last evaluated: 2025-08-10. Review status: criteria provided, single submitter. Criteria: Ambry Variant Classification Scheme 2023. Collection method: clinical testing. Allele origin: germline.

Women's Health and Genetics/Laboratory Corporation of America, LabCorp
Classification: Uncertain significance. Last evaluated: 2025-02-18. Review status: criteria provided, single submitter. Criteria: LabCorp Variant Classification Summary - May 2015. Collection method: clinical testing. Allele origin: germline.
Comment: Variant summary: ACAN c.1181G>A (p.Arg394Gln) results in a conservative amino acid change in the encoded protein sequence. Five of five in-silico tools predict a benign effect of the variant on protein function. The variant allele was found at a frequency of 5.2e-05 in 248954 control chromosomes. This frequency is not significantly higher than estimated for a pathogenic variant in ACAN causing ACAN-Related Disorders, allowing no conclusion about variant significance. To our knowledge, no occurrence of c.1181G>A in individuals affected with ACAN-Related Disorders and no experimental evidence demonstrating its impact on protein function have been reported. ClinVar contains an entry for this variant (Variation ID: 1443935). Based on the evidence outlined above, the variant was classified as uncertain significance.

NM_001369268.1(ACAN):c.1181G>A (p.Arg394Gln)

Gene: ACAN (aggrecan; plus strand). Cytogenetic location: 15q26.1.
Variant type: single nucleotide variant.
Coding change: c.1181G>A on transcript NM_001369268.1 (MANE Select); coding-DNA position 1181, G replaced by A.
Protein change: p.Arg394Gln; replaces arginine 394 with glutamine.
Molecular consequence: missense variant.
Genome position (GRCh38, 1-based): chr15:88,845,634, G>A. VCF-style: chr15-88845634-G-A. GRCh37 (hg19) VCF-style: chr15-89388865-G-A.
Other names: c.1181G>A, p.Arg394Gln (NM_001135.4, NM_013227.4); c.1181G>A (NM_013227.3); short protein forms R394Q.
Identifiers: ClinVar variation 1443935 (VCV001443935.10), dbSNP rs200709031, ClinGen allele CA7719482.